The following is an entry in ClinVar:

ClinVar aggregate classification (germline): Uncertain significance (1 of 4 stars; one submission).

Submission:

GeneDx
Classification: Uncertain significance. Last evaluated: 2025-05-30. Review status: criteria provided, single submitter. Criteria: GeneDx Variant Classification Process June 2021. Collection method: clinical testing. Allele origin: germline. Affected: yes.
Comment: Not observed at significant frequency in large population cohorts (gnomAD); In silico analysis supports that this missense variant has a deleterious effect on protein structure/function; Has not been previously published as pathogenic or benign to our knowledge

NM_139215.3(TAF15):c.1498G>A (p.Gly500Ser)

Gene: TAF15 (TATA-box binding protein associated factor 15; plus strand). Cytogenetic location: 17q12.
Variant type: single nucleotide variant.
Coding change: c.1498G>A on transcript NM_139215.3 (MANE Select); coding-DNA position 1498, G replaced by A.
Protein change: p.Gly500Ser; replaces glycine 500 with serine.
Molecular consequence: missense variant.
Genome position (GRCh38, 1-based): chr17:35,844,797, G>A. VCF-style: chr17-35844797-G-A. GRCh37 (hg19) VCF-style: chr17-34171801-G-A.
Other names: c.1489G>A, p.Gly497Ser (NM_003487.4); short protein forms G497S, G500S.
Identifiers: ClinVar variation 4532640 (VCV004532640.1).